The following is an entry in ClinVar:

NM_001378452.1(ITPR1):c.8236C>T (p.His2746Tyr)

Gene: ITPR1 (inositol 1,4,5-trisphosphate receptor type 1; plus strand). Cytogenetic location: 3p26.1.
Variant type: single nucleotide variant.
Coding change: c.8236C>T on transcript NM_001378452.1 (MANE Select); coding-DNA position 8236, C replaced by T.
Protein change: p.His2746Tyr; replaces histidine 2746 with tyrosine.
Molecular consequence: missense variant.
Genome position (GRCh38, 1-based): chr3:4,846,184, C>T. VCF-style: chr3-4846184-C-T. GRCh37 (hg19) VCF-style: chr3-4887868-C-T.
Other names: c.8092C>T, p.His2698Tyr (NM_001099952.4); c.8191C>T, p.His2731Tyr (NM_001168272.2); c.8047C>T, p.His2683Tyr (NM_002222.7); short protein forms H2698Y, H2731Y, H2683Y, H2746Y.
Identifiers: ClinVar variation 2097243 (VCV002097243.4), dbSNP rs2051765281, ClinGen allele CA351794862.

ClinVar aggregate classification (germline): Uncertain significance (1 of 4 stars; one submission).

Allele frequency attached by ClinVar (database versions not stated): gnomAD exomes below 0.00001.
gnomAD v4.1: 1 of 1,569,580 alleles (0.000064%); highest among the groups gnomAD compares: Admixed American, 0.0019%; no homozygotes.

Submission:

Labcorp Genetics (formerly Invitae), Labcorp
Classification: Uncertain significance. Last evaluated: 2024-05-21. Review status: criteria provided, single submitter. Criteria: Invitae Variant Classification Sherloc (09022015). Collection method: clinical testing. Allele origin: germline.
Comment: This sequence change replaces histidine, which is basic and polar, with tyrosine, which is neutral and polar, at codon 2683 of the ITPR1 protein (p.His2683Tyr). This variant is not present in population databases (gnomAD no frequency). This variant has not been reported in the literature in individuals affected with ITPR1-related conditions. ClinVar contains an entry for this variant (Variation ID: 2097243). Advanced modeling of protein sequence and biophysical properties (such as structural, functional, and spatial information, amino acid conservation, physicochemical variation, residue mobility, and thermodynamic stability) performed at Invitae indicates that this missense variant is not expected to disrupt ITPR1 protein function with a negative predictive value of 95%. In summary, the available evidence is currently insufficient to determine the role of this variant in disease. Therefore, it has been classified as a Variant of Uncertain Significance.